The following is an entry in ClinVar:

NM_000548.5(TSC2):c.3642C>T (p.Asn1214=)

Gene: TSC2 (TSC complex subunit 2; plus strand). Cytogenetic location: 16p13.3.
Variant type: single nucleotide variant.
Coding change: c.3642C>T on transcript NM_000548.5 (MANE Select); coding-DNA position 3642, C replaced by T.
Protein change: p.Asn1214=; no amino-acid change (asparagine 1214 retained).
Molecular consequence: synonymous variant.
Genome position (GRCh38, 1-based): chr16:2,081,626, C>T. VCF-style: chr16-2081626-C-T. GRCh37 (hg19) VCF-style: chr16-2131627-C-T.
Other names: c.3510C>T, p.Asn1170= (NM_001077183.3, NM_001370404.1); c.3642C>T, p.Asn1214= (NM_001114382.3); c.3402C>T, p.Asn1134= (NM_001318827.2); c.3366C>T, p.Asn1122= (NM_001318829.2); c.2910C>T, p.Asn970= (NM_001318831.2); c.3543C>T, p.Asn1181= (NM_001318832.2); c.3513C>T, p.Asn1171= (NM_001363528.2, NM_001370405.1, NM_021055.3); c.3642C>T (NM_000548.3).
Identifiers: ClinVar variation 1114568 (VCV001114568.11), dbSNP rs2151481160, ClinGen allele CA493043004.
Genomic context (GRCh38, chr16:2,081,626, plus strand): 5'-TCAGGCCAAAGGTGCTGCCGCCTCCGCAGGGAACACCAGCTGGCTGATGAGCCTGGAGAA[C>T]CCGCTCAGCCCTTTCTCCTCGGACATCAACAACATGCCCCTGCAGGAGCTGTCTAACGCC-3'
Protein context (NP_000539.2, residues 1204-1224): GNTSWLMSLE[Asn1214=]PLSPFSSDIN

ClinVar aggregate classification (germline): Benign/Likely benign. Review status: criteria provided, multiple submitters, no conflicts (2 of 4 stars). 3 submissions from 3 submitters: Benign (1); Likely benign (2). Last evaluated 2026-08-25.

Conditions:
Tuberous sclerosis 2 (TSC2). Identifiers: Orphanet 805, MedGen C1860707, MONDO:0013199, OMIM 613254.
Hereditary cancer-predisposing syndrome. Also called: Neoplastic Syndromes, Hereditary; Tumor predisposition; Hereditary Cancer Syndrome; Hereditary neoplastic syndrome. Identifiers: Orphanet 140162, MedGen C0027672, MeSH D009386, MONDO:0015356.

Submissions (3):

Ambry Genetics
Classification: Likely benign for Hereditary cancer-predisposing syndrome. Last evaluated: 2026-08-25. Review status: criteria provided, single submitter. Criteria: Ambry Variant Classification Scheme 2023. Collection method: clinical testing. Allele origin: germline.

Labcorp Genetics (formerly Invitae), Labcorp
Classification: Likely benign for Tuberous sclerosis 2. Last evaluated: 2025-06-17. Review status: criteria provided, single submitter. Criteria: Invitae Variant Classification Sherloc (09022015). Collection method: clinical testing. Allele origin: germline.

Myriad Genetics, Inc.
Classification: Benign for Tuberous sclerosis 2. Last evaluated: 2025-05-30. Review status: criteria provided, single submitter. Criteria: Myriad Autosomal Dominant, Autosomal Recessive and X-Linked Classification Criteria (2023). Collection method: clinical testing. Allele origin: unknown.
Comment: This variant is considered benign. This variant is a silent/synonymous amino acid change and it is not expected to impact splicing.